The following is an entry in ClinVar:

NM_000038.6(APC):c.4479_4480delinsAA (p.Glu1494Lys)

Gene: APC (APC regulator of Wnt signaling pathway; plus strand). Cytogenetic location: 5q22.2.
Variant type: Indel.
Coding change: c.4479_4480delinsAA on transcript NM_000038.6 (MANE Select); coding-DNA positions 4479 to 4480, GG replaced by AA.
Protein change: p.Glu1494Lys; replaces glutamic acid 1494 with lysine.
Molecular consequence: missense variant.
Genome position (GRCh38, 1-based): chr5:112,840,073-112,840,074, GG replaced by AA. VCF-style: chr5-112840073-GG-AA. GRCh37 (hg19) VCF-style: chr5-112175770-GG-AA.
Other names: c.4479_4480delinsAA, p.Glu1494Lys (NM_001127510.3, NM_001354895.2); c.4425_4426delinsAA, p.Glu1476Lys (NM_001127511.3); c.4533_4534delinsAA, p.Glu1512Lys (NM_001354896.2); c.4509_4510delinsAA, p.Glu1504Lys (NM_001354897.2); c.4404_4405delinsAA, p.Glu1469Lys (NM_001354898.2); c.4395_4396delinsAA, p.Glu1466Lys (NM_001354899.2); c.4356_4357delinsAA, p.Glu1453Lys (NM_001354900.2); c.4302_4303delinsAA, p.Glu1435Lys (NM_001354901.2); and 5 more; short protein forms E1435K, E1494K, E1393K, E1403K, E1466K, E1476K, E1368K, E1469K.
Identifiers: ClinVar variation 469967 (VCV000469967.8), dbSNP rs1554085913, ClinGen allele CA658655943.

ClinVar aggregate classification (germline): Uncertain significance (1 of 4 stars; one submission).

Conditions:
Familial adenomatous polyposis 1 (FAP1). Also called: POLYPOSIS, ADENOMATOUS INTESTINAL; FAMILIAL ADENOMATOUS POLYPOSIS 1, ATTENUATED. Identifiers: MedGen C2713442, MONDO:0021056, OMIM 175100. Disease mechanism: loss of function.

Submission:

Labcorp Genetics (formerly Invitae), Labcorp
Classification: Uncertain significance for Familial adenomatous polyposis 1. Last evaluated: 2021-06-17. Review status: criteria provided, single submitter. Criteria: Invitae Variant Classification Sherloc (09022015). Collection method: clinical testing. Allele origin: germline.
Comment: In summary, this variant has uncertain impact on APC function. The available evidence is currently insufficient to determine its role in disease. Therefore, it has been classified as a Variant of Uncertain Significance. Algorithms developed to predict the effect of missense changes on protein structure and function (SIFT, PolyPhen-2, Align-GVGD) all suggest that this variant is likely to be disruptive, but these predictions have not been confirmed by published functional studies and their clinical significance is uncertain. This variant is the result of two separate single-nucleotide changes that are in cis based on read data (c.4479A>G, ExAC 65% and c.4480G>A, ExAC absent). This variant has not been reported in the literature in individuals with a APC-related disease. This sequence change replaces glutamine with lysine at codon 1494 of the APC protein (p.Glu1494Lys). The glutamine residue is highly conserved and there is a small physicochemical difference between glutamine and lysine.